The following is an entry in ClinVar:

ClinVar aggregate classification (germline): Uncertain significance (1 of 4 stars; one submission).

Conditions:
Familial cold autoinflammatory syndrome 3 (FCAS3). Also called: FAMILIAL ATYPICAL COLD URTICARIA; ANTIBODY DEFICIENCY AND IMMUNE DYSREGULATION, PLCG2-ASSOCIATED. Identifiers: Orphanet 300359, MedGen C3280914, MONDO:0013766, OMIM 614468.

Submission:

Labcorp Genetics (formerly Invitae), Labcorp
Classification: Uncertain significance for Familial cold autoinflammatory syndrome 3. Last evaluated: 2026-01-11. Review status: criteria provided, single submitter. Criteria: Invitae Variant Classification Sherloc (09022015). Collection method: clinical testing. Allele origin: germline.
Comment: This sequence change creates a premature translational stop signal (p.Arg727*) in the PLCG2 gene. It is expected to result in an absent or disrupted protein product. However, the current clinical and genetic evidence is not sufficient to establish whether loss-of-function variants in PLCG2 cause disease. This variant is not present in population databases (gnomAD no frequency). This variant has not been reported in the literature in individuals affected with PLCG2-related conditions. ClinVar contains an entry for this variant (Variation ID: 1442122). Experimental studies and prediction algorithms are not available or were not evaluated, and the functional significance of this variant is currently unknown. In summary, the available evidence is currently insufficient to determine the role of this variant in disease. Therefore, it has been classified as a Variant of Uncertain Significance.

NM_002661.5(PLCG2):c.2179C>T (p.Arg727Ter)

Gene: PLCG2 (phospholipase C gamma 2; plus strand). Cytogenetic location: 16q23.3.
Variant type: single nucleotide variant.
Coding change: c.2179C>T on transcript NM_002661.5 (MANE Select); coding-DNA position 2179, C replaced by T.
Protein change: p.Arg727Ter; replaces arginine 727 with a stop codon.
Molecular consequence: nonsense.
Genome position (GRCh38, 1-based): chr16:81,919,608, C>T. VCF-style: chr16-81919608-C-T. GRCh37 (hg19) VCF-style: chr16-81953213-C-T.
Other names: short protein forms R727*.
Identifiers: ClinVar variation 1442122 (VCV001442122.6), dbSNP rs1476496257, ClinGen allele CA396902071.